The following is an entry in ClinVar:

NM_006261.5(PROP1):c.425C>T (p.Ala142Val)

Gene: PROP1 (PROP paired-like homeobox 1; minus strand). Cytogenetic location: 5q35.3.
Variant type: single nucleotide variant.
Coding change: c.425C>T on transcript NM_006261.5 (MANE Select); coding-DNA position 425, C replaced by T.
Protein change: p.Ala142Val; replaces alanine 142 with valine.
Molecular consequence: missense variant.
Genome position (GRCh38, 1-based): chr5:177,992,965, G>A on the plus strand (C>T on the coding strand, the complement: PROP1 is on the minus strand). VCF-style: chr5-177992965-G-A. GRCh37 (hg19) VCF-style: chr5-177419966-G-A.
Other names: short protein forms A142V.
Identifiers: ClinVar variation 196432 (VCV000196432.35), dbSNP rs143790367, ClinGen allele CA243388.

ClinVar aggregate classification (germline): Conflicting classifications of pathogenicity. Review status: criteria provided, conflicting classifications (1 of 4 stars). 12 submissions from 12 submitters: Uncertain significance (2); Benign (1); Likely benign (4). 5 of the submissions do not count toward it. Last evaluated 2026-07-01.

Conditions:
Pituitary hormone deficiency, combined, 2. Also called: ATELIOTIC DWARFISM WITH HYPOGONADISM; HANHART DWARFISM; PITUITARY DWARFISM III; PROP1-Related Combined Pituitary Hormone Deficiency. Identifiers: MedGen C0878683, MONDO:0009878, OMIM 262600.
Amenorrhea. Identifiers: MedGen C0002453, MONDO:0001836, HP:0000141.

Allele frequency attached by ClinVar (database versions not stated): 1000 Genomes Project 0.00060; 1000 Genomes Project 30x 0.00078; gnomAD 0.00192 and 0.00193; TOPMed 0.00198; gnomAD exomes 0.00204 and 0.00263; ExAC 0.00209; ESP Exome Variant Server 0.00246.
gnomAD v4.1: 4,116 of 1,614,046 alleles (0.26%); highest among the groups gnomAD compares: Non-Finnish European, 0.3%; 6 homozygotes.

Submissions (12):

CeGaT Center for Human Genetics Tuebingen
Classification: Likely benign. Last evaluated: 2026-07-01. Review status: criteria provided, single submitter. Criteria: CeGaT Center For Human Genetics Tuebingen Variant Classification Criteria Version 2. Collection method: clinical testing. Allele origin: germline. Affected: yes. Observed: 3 variant alleles.
Comment: PROP1: BP4

Labcorp Genetics (formerly Invitae), Labcorp
Classification: Benign. Last evaluated: 2026-02-04. Review status: criteria provided, single submitter. Criteria: Invitae Variant Classification Sherloc (09022015). Collection method: clinical testing. Allele origin: germline.

Women's Health and Genetics/Laboratory Corporation of America, LabCorp
Classification: Likely benign. Last evaluated: 2024-11-27. Review status: criteria provided, single submitter. Criteria: LabCorp Variant Classification Summary - May 2015. Collection method: clinical testing. Allele origin: germline.
Comment: Variant summary: PROP1 c.425C>T (p.Ala142Val) results in a non-conservative amino acid change in the encoded protein sequence. Four of five in-silico tools predict a benign effect of the variant on protein function. The variant allele was found at a frequency of 0.002 in 251096 control chromosomes. This frequency is not significantly higher than estimated for a pathogenic variant in PROP1 causing Combined Pituitary Hormone Deficiency (0.002 vs 0.0041), allowing no conclusion about variant significance. In gnomAD v4 dataset, a total of 6 homozygotes were observed, suggesting this variant might be a benign change. c.425C>T has been reported in the literature in individuals affected with Hypothalamic amenorrhoea or pituitary stalk interruption syndrome without strong evidence of causality (e.g. Delaney_2021, Dwyer_2022, Brauner_2023). These reports do not provide unequivocal conclusions about association of the variant with Combined Pituitary Hormone Deficiency. To our knowledge, no experimental evidence demonstrating an impact on protein function has been reported. The following publications have been ascertained in the context of this evaluation (PMID: 32870266, 36407308, 38096238). ClinVar contains an entry for this variant (Variation ID: 196432). Based on the evidence outlined above, the variant was classified as likely benign.

Blueprint Genetics
Classification: Likely benign. Last evaluated: 2024-11-26. Review status: criteria provided, single submitter. Criteria: ACMG Guidelines, 2015. Collection method: clinical testing. Allele origin: germline.

GeneDx
Classification: Uncertain significance. Last evaluated: 2023-02-01. Review status: criteria provided, single submitter. Criteria: GeneDx Variant Classification Process June 2021. Collection method: clinical testing. Allele origin: germline. Affected: yes.
Comment: Identified as heterozygous in two unrelated patients in published literature presenting with either amenorrhea or pituitary stalk interruption syndrome (Delaney et al., 2020; Hietamki et al., 2022); In silico analysis supports that this missense variant does not alter protein structure/function; This variant is associated with the following publications: (PMID: 36034425, 32870266, 35875813)

Illumina Laboratory Services, Illumina
Classification: Uncertain significance for Pituitary hormone deficiency, combined, 2. Last evaluated: 2018-01-12. Review status: criteria provided, single submitter. Criteria: ICSL Variant Classification Criteria 13 December 2019. Collection method: clinical testing. Allele origin: germline.

Eurofins Ntd Llc (ga)
Classification: Likely benign. Last evaluated: 2017-03-27. Review status: criteria provided, single submitter. Criteria: EGL Classification Definitions 2015. Collection method: clinical testing. Allele origin: germline. Observed: 4 variant alleles, 4 heterozygotes.

Yale Center for Mendelian Genomics, Yale University
Classification: Uncertain significance for Amenorrhea. Last evaluated: 2021-03-08. Review status: no assertion criteria provided. Collection method: literature only. Allele origin: unknown. Affected: yes. Observed: 1 heterozygote. Study: Yale Center for Mendelian Genomics. Not counted in ClinVar's aggregate classification.

Natera, Inc.
Classification: Likely benign for Combined pituitary hormone deficiency type 2. Last evaluated: 2020-01-05. Review status: no assertion criteria provided. Collection method: clinical testing. Allele origin: germline. Not counted in ClinVar's aggregate classification.

Clinical Genetics DNA and cytogenetics Diagnostics Lab, Erasmus MC, Erasmus Medical Center
Classification: Likely benign. Review status: no assertion criteria provided. Collection method: clinical testing. Allele origin: germline. Affected: yes. Study: VKGL Data-share Consensus. Not counted in ClinVar's aggregate classification.

Clinical Genetics, Academic Medical Center
Classification: Likely benign. Review status: no assertion criteria provided. Collection method: clinical testing. Allele origin: germline. Affected: yes. Study: VKGL Data-share Consensus. Not counted in ClinVar's aggregate classification.

Laboratory of Diagnostic Genome Analysis, Leiden University Medical Center (LUMC)
Classification: Likely benign. Review status: no assertion criteria provided. Collection method: clinical testing. Allele origin: germline. Affected: yes. Study: VKGL Data-share Consensus. Not counted in ClinVar's aggregate classification.

Literature cited by the submitters: PubMed 32870266 (cited by Women's Health and Genetics/Laboratory Corporation of America, LabCorp and Yale Center for Mendelian Genomics, Yale University); PubMed 38096238 (cited by Women's Health and Genetics/Laboratory Corporation of America, LabCorp); PubMed 36407308 (cited by Women's Health and Genetics/Laboratory Corporation of America, LabCorp).